The following is an entry in ClinVar:

NM_148919.4(PSMB8):c.538-4A>G

Gene: PSMB8 (proteasome 20S subunit beta 8; minus strand). Cytogenetic location: 6p21.32.
Variant type: single nucleotide variant.
Coding change: c.538-4A>G on transcript NM_148919.4 (MANE Select); 4 bases into the intron before coding-DNA position 538, A replaced by G.
Molecular consequence: intron variant.
Genome position (GRCh38, 1-based): chr6:32,841,739, T>C on the plus strand (A>G on the coding strand, the complement: PSMB8 is on the minus strand). VCF-style: chr6-32841739-T-C. GRCh37 (hg19) VCF-style: chr6-32809516-T-C.
Other names: c.526-4A>G (NM_004159.5).
Identifiers: ClinVar variation 3036878 (VCV003036878.3), dbSNP rs780852079, ClinGen allele CA3746342.

ClinVar aggregate classification (germline): Likely benign. Review status: criteria provided, single submitter (1 of 4 stars). 2 submissions from 2 submitters: Likely benign (1). 1 of the submissions does not count toward it. Last evaluated 2021-04-07.

Conditions:
PSMB8-related disorder. Also called: PSMB8-related condition.

Allele frequency attached by ClinVar (database versions not stated): gnomAD exomes below 0.00001; ExAC 0.00001.

Submissions (2):

Blueprint Genetics
Classification: Likely benign. Last evaluated: 2021-04-07. Review status: criteria provided, single submitter. Criteria: ACMG Guidelines, 2015. Collection method: clinical testing. Allele origin: germline.

PreventionGenetics, part of Exact Sciences
Classification: Likely benign for PSMB8-related condition. Last evaluated: 2023-11-11. Review status: no assertion criteria provided. Collection method: clinical testing. Allele origin: germline. Not counted in ClinVar's aggregate classification.
Comment: This variant is classified as likely benign based on ACMG/AMP sequence variant interpretation guidelines (Richards et al. 2015 PMID: 25741868, with internal and published modifications).